The following is an entry in ClinVar:

NM_012210.4(TRIM32):c.1870C>G (p.Leu624Val)

Genes: ASTN2 (astrotactin 2; minus strand), TRIM32 (tripartite motif containing 32; plus strand). Cytogenetic location: 9q33.1.
Variant type: single nucleotide variant.
Coding change: c.1870C>G on transcript NM_012210.4 (MANE Select); coding-DNA position 1870, C replaced by G.
Protein change: p.Leu624Val; replaces leucine 624 with valine.
Molecular consequence: missense variant. On other transcripts: intron variant (3).
Genome position (GRCh38, 1-based): chr9:116,699,612, C>G. VCF-style: chr9-116699612-C-G. GRCh37 (hg19) VCF-style: chr9-119461891-C-G.
Other names: c.1870C>G, p.Leu624Val (NM_001099679.2, NM_001379048.1, NM_001379049.1 and 1 more transcripts); c.2653+26159G>C (NM_014010.5); c.2794+26159G>C (NM_001365069.1); c.2806+26159G>C (NM_001365068.1); short protein forms L624V.
Identifiers: ClinVar variation 1499574 (VCV001499574.10), dbSNP rs1564218609, ClinGen allele CA374652611.

ClinVar aggregate classification (germline): Uncertain significance. Review status: criteria provided, single submitter (1 of 4 stars). 2 submissions from 2 submitters: Uncertain significance (1). 1 of the submissions does not count toward it. Last evaluated 2022-10-04.

Conditions:
Bardet-Biedl syndrome (BBS). Identifiers: Orphanet 110, MedGen C0752166, MONDO:0015229.
TRIM32-related disorder. Also called: TRIM32-related condition.

Allele frequency attached by ClinVar (database versions not stated): gnomAD exomes below 0.00001.
gnomAD v4.1: 2 of 1,614,184 alleles (0.00012%); highest among the groups gnomAD compares: Non-Finnish European, 0.000085%; no homozygotes.

Submissions (2):

Labcorp Genetics (formerly Invitae), Labcorp
Classification: Uncertain significance for Bardet-Biedl syndrome. Last evaluated: 2022-10-04. Review status: criteria provided, single submitter. Criteria: Invitae Variant Classification Sherloc (09022015). Collection method: clinical testing. Allele origin: germline.
Comment: Algorithms developed to predict the effect of missense changes on protein structure and function (SIFT, PolyPhen-2, Align-GVGD) all suggest that this variant is likely to be tolerated. In summary, the available evidence is currently insufficient to determine the role of this variant in disease. Therefore, it has been classified as a Variant of Uncertain Significance. Algorithms developed to predict the effect of sequence changes on RNA splicing suggest that this variant may create or strengthen a splice site. ClinVar contains an entry for this variant (Variation ID: 1499574). This variant has not been reported in the literature in individuals affected with TRIM32-related conditions. This variant is not present in population databases (gnomAD no frequency). This sequence change replaces leucine, which is neutral and non-polar, with valine, which is neutral and non-polar, at codon 624 of the TRIM32 protein (p.Leu624Val).

PreventionGenetics, part of Exact Sciences
Classification: Uncertain significance for TRIM32-related condition. Last evaluated: 2024-01-29. Review status: no assertion criteria provided. Collection method: clinical testing. Allele origin: germline. Not counted in ClinVar's aggregate classification.
Comment: The TRIM32 c.1870C>G variant is predicted to result in the amino acid substitution p.Leu624Val. To our knowledge, this variant has not been reported in the literature or in a large population database, indicating this variant is rare. At this time, the clinical significance of this variant is uncertain due to the absence of conclusive functional and genetic evidence.